The following is an entry in ClinVar:

NM_001271696.3(ABCB7):c.559A>G (p.Thr187Ala)

Gene: ABCB7 (ATP binding cassette subfamily B member 7; minus strand). Cytogenetic location: Xq13.3.
Variant type: single nucleotide variant.
Coding change: c.559A>G on transcript NM_001271696.3 (MANE Select); coding-DNA position 559, A replaced by G.
Protein change: p.Thr187Ala; replaces threonine 187 with alanine.
Molecular consequence: missense variant.
Genome position (GRCh38, 1-based): chrX:75,076,549, T>C on the plus strand (A>G on the coding strand, the complement: ABCB7 is on the minus strand). VCF-style: chrX-75076549-T-C. GRCh37 (hg19) VCF-style: chrX-74296384-T-C.
Other names: c.439A>G, p.Thr147Ala (NM_001271697.3); c.481A>G, p.Thr161Ala (NM_001271698.3); c.442A>G, p.Thr148Ala (NM_001271699.3); c.562A>G, p.Thr188Ala (NM_004299.6); short protein forms T147A, T161A, T187A, T148A, T188A.
Identifiers: ClinVar variation 3125302 (VCV003125302.3), dbSNP rs747643499, ClinGen allele CA10455500.

ClinVar aggregate classification (germline): Uncertain significance. Review status: criteria provided, multiple submitters, no conflicts (2 of 4 stars). 2 submissions from 2 submitters: Uncertain significance (2). Last evaluated 2024-02-17.

Conditions:
Inborn genetic diseases. Identifiers: MedGen C0950123, MeSH D030342.

Allele frequency attached by ClinVar (database versions not stated): gnomAD exomes below 0.00001; ExAC 0.00001; gnomAD 0.00003; TOPMed 0.00003.
gnomAD v4.1: 7 of 1,209,654 alleles (0.00058%); highest among the groups gnomAD compares: African/African-American, 0.0035%; no homozygotes.

Submissions (2):

Labcorp Genetics (formerly Invitae), Labcorp
Classification: Uncertain significance. Last evaluated: 2024-02-17. Review status: criteria provided, single submitter. Criteria: Invitae Variant Classification Sherloc (09022015). Collection method: clinical testing. Allele origin: germline.
Comment: This sequence change replaces threonine, which is neutral and polar, with alanine, which is neutral and non-polar, at codon 188 of the ABCB7 protein (p.Thr188Ala). This variant is present in population databases (rs747643499, gnomAD 0.008%). This variant has not been reported in the literature in individuals affected with ABCB7-related conditions. An algorithm developed to predict the effect of missense changes on protein structure and function (PolyPhen-2) suggests that this variant is likely to be disruptive. In summary, the available evidence is currently insufficient to determine the role of this variant in disease. Therefore, it has been classified as a Variant of Uncertain Significance.

Ambry Genetics
Classification: Uncertain significance for Inborn genetic diseases. Last evaluated: 2023-10-17. Review status: criteria provided, single submitter. Criteria: Ambry Variant Classification Scheme 2023. Collection method: clinical testing. Allele origin: germline.